The following is an entry in ClinVar:

ClinVar aggregate classification (germline): Pathogenic (1 of 4 stars; one submission).

Conditions:
Autosomal recessive limb-girdle muscular dystrophy. Identifiers: Orphanet 102015, MedGen C2931907, MONDO:0015152.

Submission:

Myriad Genetics, Inc.
Classification: Pathogenic for Autosomal recessive limb-girdle muscular dystrophy. Last evaluated: 2025-04-04. Review status: criteria provided, single submitter. Criteria: Myriad Autosomal Dominant, Autosomal Recessive and X-Linked Classification Criteria (2023). Collection method: clinical testing. Allele origin: unknown.
Comment: NM_003494.3(DYSF):c.4722delA(Q1576Rfs*32) is expected to be pathogenic in the context of dysferlinopathy. This variant is predicted to lead to an abnormal or absent protein product due to the creation of a premature termination codon in DYSF, a gene where loss-of-function variants are known to be pathogenic. Please note: this variant was assessed in the context of healthy population screening.

NM_001130987.2(DYSF):c.4839del (p.Gln1615fs)

Gene: DYSF (dysferlin; plus strand). Cytogenetic location: 2p13.2.
Variant type: Deletion.
Coding change: c.4839del on transcript NM_001130987.2 (MANE Select); coding-DNA position 4839, one base deleted (A; older notation c.4839delA).
Protein change: p.Gln1615fs; shifts the reading frame from glutamine 1615.
Molecular consequence: frameshift variant.
Genome position (GRCh38, 1-based): chr2:71,658,961, A deleted. VCF-style (leftmost placement, unchanged base first): chr2-71658960-GA-G. GRCh37 (hg19) VCF-style: chr2-71886090-GA-G.
Other names: c.4725del, p.Gln1577fs (NM_001130455.2); c.4680del, p.Gln1562fs (NM_001130976.2); c.4743del, p.Gln1583fs (NM_001130977.2); c.4785del, p.Gln1597fs (NM_001130978.2); c.4815del, p.Gln1607fs (NM_001130979.2); c.4773del, p.Gln1593fs (NM_001130980.2); c.4836del, p.Gln1614fs (NM_001130981.2); c.4818del, p.Gln1608fs (NM_001130982.2); and 5 more; short protein forms Q1562fs, Q1563fs, Q1576fs, Q1577fs, Q1583fs, Q1584fs, Q1593fs, Q1594fs.
Identifiers: ClinVar variation 5014303 (VCV005014303.1).